The following is an entry in ClinVar:

NM_001267550.2(TTN):c.6857del (p.Glu2285_Leu2286insTer)

Genes: TTN (titin; minus strand), LOC126806433 (BRD4-independent group 4 enhancer GRCh37_chr2:179638309-179639508; plus strand). Cytogenetic location: 2q31.2.
Variant type: Deletion.
Coding change: c.6857del on transcript NM_001267550.2 (MANE Select); coding-DNA position 6857, one base deleted (T; older notation c.6857delT).
Protein change: p.Glu2285_Leu2286insTer.
Molecular consequence: nonsense.
Genome position (GRCh38, 1-based): chr2:178,774,407, A deleted on the plus strand (T on the coding strand, the reverse complement: TTN is on the minus strand); the first of 2 consecutive A bases (chr2:178,774,407-178,774,408); deleting either gives the same sequence. VCF-style (leftmost placement, unchanged base first): chr2-178774406-TA-T. GRCh37 (hg19) VCF-style: chr2-179639133-TA-T.
Other names: c.6857del, p.Glu2285_Leu2286insTer (NM_001256850.1, NM_133378.4, NM_133379.5); c.6719del, p.Glu2239_Leu2240insTer (NM_003319.4, NM_133432.3, NM_133437.4).
Identifiers: ClinVar variation 1416860 (VCV001416860.6), dbSNP rs2154345136, ClinGen allele CA2573134008.

ClinVar aggregate classification (germline): Likely pathogenic (1 of 4 stars; one submission).

Conditions:
Dilated cardiomyopathy 1G (CMD1G). Identifiers: Orphanet 154, MedGen C1858763, MONDO:0011400, OMIM 604145.
Autosomal recessive limb-girdle muscular dystrophy type 2J (LGMDR10). Also called: MUSCULAR DYSTROPHY, LIMB-GIRDLE, AUTOSOMAL RECESSIVE 10; Limb-girdle muscular dystrophy, type 2J. Identifiers: Orphanet 140922, MedGen C1837342, MONDO:0012127, OMIM 608807.

Submission:

Labcorp Genetics (formerly Invitae), Labcorp
Classification: Likely pathogenic for Dilated cardiomyopathy 1G; Autosomal recessive limb-girdle muscular dystrophy type 2J. Last evaluated: 2024-10-18. Review status: criteria provided, single submitter. Criteria: Invitae Variant Classification Sherloc (09022015). Collection method: clinical testing. Allele origin: germline.
Comment: This sequence change creates a premature translational stop signal (p.Leu2286*) in the TTN gene. While this is not anticipated to result in nonsense mediated decay, it is expected to create a truncated TTN protein. This variant is not present in population databases (gnomAD no frequency). This variant has not been reported in the literature in individuals affected with TTN-related conditions. ClinVar contains an entry for this variant (Variation ID: 1416860). This variant is located in the I band of TTN (PMID: 25589632). Truncating variants in this region have been reported in individuals affected with autosomal recessive centronuclear myopathy (PMID: 23975875, internal data). Truncating variants in this region have also been identified in individuals affected with autosomal dominant dilated cardiomyopathy and/or cardio-related conditions (PMID: 27869827, 32964742, internal data). In summary, the currently available evidence indicates that the variant is pathogenic, but additional data are needed to prove that conclusively. Therefore, this variant has been classified as Likely Pathogenic.

Literature cited by the submitters: PubMed 25589632; PubMed 23975875; PubMed 27869827; PubMed 32964742.